The following is an entry in ClinVar:

NM_023110.3(FGFR1):c.399C>A (p.Asp133Glu)

Gene: FGFR1 (fibroblast growth factor receptor 1; minus strand). Cytogenetic location: 8p11.23.
Variant type: single nucleotide variant.
Coding change: c.399C>A on transcript NM_023110.3 (MANE Select); coding-DNA position 399, C replaced by A.
Protein change: p.Asp133Glu; replaces aspartic acid 133 with glutamic acid.
Molecular consequence: missense variant.
Genome position (GRCh38, 1-based): chr8:38,428,395, G>T on the plus strand (C>A on the coding strand, the complement: FGFR1 is on the minus strand). VCF-style: chr8-38428395-G-T. GRCh37 (hg19) VCF-style: chr8-38285913-G-T.
Other names: c.399C>A, p.Asp133Glu (NM_000604.2, NM_001174063.2, NM_001174065.2 and 4 more transcripts); c.375C>A, p.Asp125Glu (NM_001174064.2); c.132C>A, p.Asp44Glu (NM_001174066.2, NM_001354368.2, NM_001354370.2 and 2 more transcripts); c.498C>A, p.Asp166Glu (NM_001174067.2); short protein forms D125E, D133E, D166E, D44E.
Identifiers: ClinVar variation 2951450 (VCV002951450.4), dbSNP rs1213683426, ClinGen allele CA370736004.

ClinVar aggregate classification (germline): Uncertain significance. Review status: criteria provided, multiple submitters, no conflicts (2 of 4 stars). 2 submissions from 2 submitters: Uncertain significance (2). Last evaluated 2025-02-24.

Conditions:
Pfeiffer syndrome (ACS5). Also called: ACS V. Identifiers: Orphanet 710, MedGen C0220658, MONDO:0007043, OMIM 101600.
Hypogonadotropic hypogonadism 2 with or without anosmia (HH2). Also called: FGFR1-Related GnRH Deficiency (Kallmann Syndrome 2); HYPOGONADOTROPIC HYPOGONADISM 2 WITHOUT ANOSMIA; HYPOGONADOTROPIC HYPOGONADISM 2 WITH OR WITHOUT ANOSMIA, SUSCEPTIBILITY TO; HYPOGONADOTROPIC HYPOGONADISM 2 WITHOUT ANOSMIA, SUSCEPTIBILITY TO. Identifiers: Orphanet 478, MedGen C1563720, MONDO:0007844, OMIM 147950. Disease mechanism: loss of function.
Osteoglophonic dysplasia (OGD). Also called: Osteoglophonic dwarfism. Identifiers: Orphanet 2645, MedGen C0432283, MONDO:0008150, OMIM 166250.
Encephalocraniocutaneous lipomatosis (ECCL). Identifiers: Orphanet 2396, MedGen C0406612, MONDO:0013074, OMIM 613001.
Hartsfield-Bixler-Demyer syndrome (HRTFDS). Also called: Holoprosencephaly, ectrodactyly, and bilateral cleft lip/palate; FGFR1-Related Hartsfield Syndrome; Hartsfield syndrome. Identifiers: Orphanet 2117, MedGen C1845146, MONDO:0014196, OMIM 615465. Disease mechanism: loss of function.
Jackson-Weiss syndrome (JWS). Also called: CRANIOSYNOSTOSIS, MIDFACIAL HYPOPLASIA, AND FOOT ABNORMALITIES. Identifiers: Orphanet 1540, MedGen C0795998, MONDO:0007400, OMIM 123150. Disease mechanism: loss of function.
Trigonocephaly 1 (TRIGNO1). Identifiers: Orphanet 3366, MedGen C0432122, MONDO:0008603, OMIM 190440.

Allele frequency attached by ClinVar (database versions not stated): TOPMed below 0.00001; gnomAD 0.00001.
gnomAD v4.1: 5 of 1,613,514 alleles (0.00031%); highest among the groups gnomAD compares: Non-Finnish European, 0.00034%; no homozygotes.

Submissions (2):

Labcorp Genetics (formerly Invitae), Labcorp
Classification: Uncertain significance for Pfeiffer syndrome; Hypogonadotropic hypogonadism 2 with or without anosmia. Last evaluated: 2025-02-24. Review status: criteria provided, single submitter. Criteria: Invitae Variant Classification Sherloc (09022015). Collection method: clinical testing. Allele origin: germline.
Comment: This sequence change replaces aspartic acid, which is acidic and polar, with glutamic acid, which is acidic and polar, at codon 133 of the FGFR1 protein (p.Asp133Glu). This variant is present in population databases (no rsID available, gnomAD 0.007%). This variant has not been reported in the literature in individuals affected with FGFR1-related conditions. ClinVar contains an entry for this variant (Variation ID: 2951450). Invitae Evidence Modeling of protein sequence and biophysical properties (such as structural, functional, and spatial information, amino acid conservation, physicochemical variation, residue mobility, and thermodynamic stability) indicates that this missense variant is not expected to disrupt FGFR1 protein function with a negative predictive value of 80%. In summary, the available evidence is currently insufficient to determine the role of this variant in disease. Therefore, it has been classified as a Variant of Uncertain Significance.

Fulgent Genetics
Classification: Uncertain significance for Pfeiffer syndrome; Jackson-Weiss syndrome; Hypogonadotropic hypogonadism 2 with or without anosmia; Osteoglophonic dysplasia; Trigonocephaly 1; Encephalocraniocutaneous lipomatosis; Hartsfield-Bixler-Demyer syndrome. Last evaluated: 2024-02-03. Review status: criteria provided, single submitter. Criteria: ACMG Guidelines, 2015. Collection method: clinical testing. Allele origin: germline.